The following is an entry in ClinVar:

ClinVar aggregate classification (germline): Uncertain significance. Review status: criteria provided, multiple submitters, no conflicts (2 of 4 stars). 2 submissions from 2 submitters: Uncertain significance (2). Last evaluated 2023-08-03.

Conditions:
Familial hemiplegic migraine. Identifiers: MedGen C0338484, MONDO:0000700.

Allele frequency attached by ClinVar (database versions not stated): gnomAD exomes below 0.00001.
gnomAD v4.1: 1 of 1,612,550 alleles (0.000062%); highest among the groups gnomAD compares: Non-Finnish European, 0.000085%; no homozygotes.

Submissions (2):

Labcorp Genetics (formerly Invitae), Labcorp
Classification: Uncertain significance for Familial hemiplegic migraine. Last evaluated: 2023-08-03. Review status: criteria provided, single submitter. Criteria: Invitae Variant Classification Sherloc (09022015). Collection method: clinical testing. Allele origin: germline.
Comment: In summary, the available evidence is currently insufficient to determine the role of this variant in disease. Therefore, it has been classified as a Variant of Uncertain Significance. Advanced modeling of protein sequence and biophysical properties (such as structural, functional, and spatial information, amino acid conservation, physicochemical variation, residue mobility, and thermodynamic stability) performed at Invitae indicates that this missense variant is not expected to disrupt ATP1A2 protein function. This variant has not been reported in the literature in individuals affected with ATP1A2-related conditions. This variant is not present in population databases (gnomAD no frequency). This sequence change replaces valine, which is neutral and non-polar, with leucine, which is neutral and non-polar, at codon 183 of the ATP1A2 protein (p.Val183Leu).

GeneDx
Classification: Uncertain significance. Last evaluated: 2023-04-12. Review status: criteria provided, single submitter. Criteria: GeneDx Variant Classification Process June 2021. Collection method: clinical testing. Allele origin: germline. Affected: yes.
Comment: Not observed at significant frequency in large population cohorts (gnomAD); In silico analysis supports that this missense variant does not alter protein structure/function; Has not been previously published as pathogenic or benign to our knowledge

NM_000702.4(ATP1A2):c.547G>T (p.Val183Leu)

Genes: ATP1A2 (ATPase Na+/K+ transporting subunit alpha 2; plus strand), LOC126805890 (CDK7 strongly-dependent group 2 enhancer GRCh37_chr1:160093987-160095186; plus strand). Cytogenetic location: 1q23.2.
Variant type: single nucleotide variant.
Coding change: c.547G>T on transcript NM_000702.4 (MANE Select); coding-DNA position 547, G replaced by T.
Protein change: p.Val183Leu; replaces valine 183 with leucine.
Molecular consequence: missense variant.
Genome position (GRCh38, 1-based): chr1:160,124,347, G>T. VCF-style: chr1-160124347-G-T. GRCh37 (hg19) VCF-style: chr1-160094137-G-T.
Other names: short protein forms V183L.
Identifiers: ClinVar variation 2662553 (VCV002662553.4), dbSNP rs2524857306, ClinGen allele CA343233612.